The following is an entry in ClinVar:

NM_005144.5(HR):c.37A>G (p.Thr13Ala)

Gene: HR (HR lysine demethylase and nuclear receptor corepressor; minus strand). Cytogenetic location: 8p21.3.
Variant type: single nucleotide variant.
Coding change: c.37A>G on transcript NM_005144.5 (MANE Select); coding-DNA position 37, A replaced by G.
Protein change: p.Thr13Ala; replaces threonine 13 with alanine.
Molecular consequence: missense variant.
Genome position (GRCh38, 1-based): chr8:22,129,134, T>C on the plus strand (A>G on the coding strand, the complement: HR is on the minus strand). VCF-style: chr8-22129134-T-C. GRCh37 (hg19) VCF-style: chr8-21986647-T-C.
Other names: c.37A>G, p.Thr13Ala (NM_018411.4); short protein forms T13A.
Identifiers: ClinVar variation 362533 (VCV000362533.33), dbSNP rs143316642, ClinGen allele CA4662808.

ClinVar aggregate classification (germline): Benign/Likely benign. Review status: criteria provided, multiple submitters, no conflicts (2 of 4 stars). 5 submissions from 4 submitters: Benign (1); Likely benign (4). Last evaluated 2026-01-19.

Conditions:
Atrichia with papular lesions (APL). Also called: PAPULAR ATRICHIA. Identifiers: Orphanet 86819, MedGen C1859592, MONDO:0008847, OMIM 209500.
Alopecia universalis congenita (ALUNC). Also called: ATRICHIA, GENERALIZED. Identifiers: Orphanet 701, MedGen C1859877, MONDO:0008757, OMIM 203655.

Allele frequency attached by ClinVar (database versions not stated): TOPMed 0.00097; ESP Exome Variant Server 0.00161; ExAC 0.00202; 1000 Genomes Project 30x 0.00250; 1000 Genomes Project 0.00280.
gnomAD v4.1: 2,358 of 1,554,666 alleles (0.15%); highest among the groups gnomAD compares: South Asian, 0.91%; 27 homozygotes.

Submissions (5):

Labcorp Genetics (formerly Invitae), Labcorp
Classification: Benign. Last evaluated: 2026-01-19. Review status: criteria provided, single submitter. Criteria: Invitae Variant Classification Sherloc (09022015). Collection method: clinical testing. Allele origin: germline.

CeGaT Center for Human Genetics Tuebingen
Classification: Likely benign. Last evaluated: 2023-01-01. Review status: criteria provided, single submitter. Criteria: CeGaT Center For Human Genetics Tuebingen Variant Classification Criteria Version 2. Collection method: clinical testing. Allele origin: germline. Affected: yes. Observed: 1 variant allele.
Comment: HR: BP4, BS2

Illumina Laboratory Services, Illumina
Classification: Likely benign for Atrichia with papular lesions. Last evaluated: 2018-01-13. Review status: criteria provided, single submitter. Criteria: ICSL Variant Classification Criteria 13 December 2019. Collection method: clinical testing. Allele origin: germline.
Comment: This variant was observed in the ICSL laboratory as part of a predisposition screen in an ostensibly healthy population. It had not been previously curated by ICSL or reported in the Human Gene Mutation Database (HGMD: prior to June 1st, 2018), and was therefore a candidate for classification through an automated scoring system. Utilizing variant allele frequency, disease prevalence and penetrance estimates, and inheritance mode, an automated score was calculated to assess if this variant is too frequent to cause the disease. Based on the score and internal cut-off values, a variant classified as likely benign is not then subjected to further curation. The score for this variant resulted in a classification of likely benign for this disease.

Illumina Laboratory Services, Illumina
Classification: Likely benign for Alopecia universalis congenita. Last evaluated: 2018-01-13. Review status: criteria provided, single submitter. Criteria: ICSL Variant Classification Criteria 13 December 2019. Collection method: clinical testing. Allele origin: germline.
Comment: the same text as in the submission from Illumina Laboratory Services, Illumina above.

Breakthrough Genomics
Classification: Likely benign. Review status: criteria provided, single submitter. Criteria: ACMG Guidelines, 2015. Collection method: not provided. Allele origin: germline. Inheritance: Autosomal recessive inheritance. Affected: yes.